The following is an entry in ClinVar:

NM_005557.4(KRT16):c.144C>T (p.Gly48=)

Gene: KRT16 (keratin 16; minus strand). Cytogenetic location: 17q21.2.
Variant type: single nucleotide variant.
Coding change: c.144C>T on transcript NM_005557.4 (MANE Select); coding-DNA position 144, C replaced by T.
Protein change: p.Gly48=; no amino-acid change (glycine 48 retained).
Molecular consequence: synonymous variant.
Genome position (GRCh38, 1-based): chr17:41,612,545, G>A on the plus strand (C>T on the coding strand, the complement: KRT16 is on the minus strand). VCF-style: chr17-41612545-G-A. GRCh37 (hg19) VCF-style: chr17-39768797-G-A.
Identifiers: ClinVar variation 3239255 (VCV003239255.21), dbSNP rs879050220.

ClinVar aggregate classification (germline): Likely benign. Review status: criteria provided, multiple submitters, no conflicts (2 of 4 stars). 2 submissions from 2 submitters: Likely benign (2). Last evaluated 2024-04-01.

Allele frequency attached by ClinVar (database versions not stated): gnomAD exomes 0.00002; TOPMed 0.00002; gnomAD 0.00003.
gnomAD v4.1: 29 of 1,594,164 alleles (0.0018%); highest among the groups gnomAD compares: African/African-American, 0.004%; no homozygotes.

Submissions (2):

CeGaT Center for Human Genetics Tuebingen
Classification: Likely benign. Last evaluated: 2024-04-01. Review status: criteria provided, single submitter. Criteria: CeGaT Center For Human Genetics Tuebingen Variant Classification Criteria Version 2. Collection method: clinical testing. Allele origin: germline. Affected: yes. Observed: 1 variant allele.
Comment: KRT16: BP4, BP7

Labcorp Genetics (formerly Invitae), Labcorp
Classification: Likely benign. Last evaluated: 2024-02-19. Review status: criteria provided, single submitter. Criteria: Invitae Variant Classification Sherloc (09022015). Collection method: clinical testing. Allele origin: germline.